The following is an entry in ClinVar:

ClinVar aggregate classification (germline): Uncertain significance (1 of 4 stars; one submission).

Allele frequency attached by ClinVar (database versions not stated): gnomAD exomes below 0.00001 and 0.00001.

Submission:

Labcorp Genetics (formerly Invitae), Labcorp
Classification: Uncertain significance. Last evaluated: 2025-07-02. Review status: criteria provided, single submitter. Criteria: Invitae Variant Classification Sherloc (09022015). Collection method: clinical testing. Allele origin: germline.
Comment: This sequence change replaces cysteine, which is neutral and slightly polar, with arginine, which is basic and polar, at codon 153 of the NDUFS8 protein (p.Cys153Arg). This variant is present in population databases (no rsID available, gnomAD 0.0009%). This variant has not been reported in the literature in individuals affected with NDUFS8-related conditions. ClinVar contains an entry for this variant (Variation ID: 1434152). An algorithm developed to predict the effect of missense changes on protein structure and function (PolyPhen-2) suggests that this variant is likely to be disruptive. In summary, the available evidence is currently insufficient to determine the role of this variant in disease. Therefore, it has been classified as a Variant of Uncertain Significance.

NM_002496.4(NDUFS8):c.457T>C (p.Cys153Arg)

Gene: NDUFS8 (NADH:ubiquinone oxidoreductase core subunit S8; plus strand). Cytogenetic location: 11q13.2.
Variant type: single nucleotide variant.
Coding change: c.457T>C on transcript NM_002496.4 (MANE Select); coding-DNA position 457, T replaced by C.
Protein change: p.Cys153Arg; replaces cysteine 153 with arginine.
Molecular consequence: missense variant.
Genome position (GRCh38, 1-based): chr11:68,036,337, T>C. VCF-style: chr11-68036337-T-C. GRCh37 (hg19) VCF-style: chr11-67803804-T-C.
Other names: short protein forms C153R.
Identifiers: ClinVar variation 1434152 (VCV001434152.6), dbSNP rs1383749533, ClinGen allele CA381569280.